The following is an entry in ClinVar:

NM_000368.5(TSC1):c.2321A>C (p.Lys774Thr)

Gene: TSC1 (TSC complex subunit 1; minus strand). Cytogenetic location: 9q34.13.
Variant type: single nucleotide variant.
Coding change: c.2321A>C on transcript NM_000368.5 (MANE Select); coding-DNA position 2321, A replaced by C.
Protein change: p.Lys774Thr; replaces lysine 774 with threonine.
Molecular consequence: missense variant.
Genome position (GRCh38, 1-based): chr9:132,902,675, T>G on the plus strand (A>C on the coding strand, the complement: TSC1 is on the minus strand). VCF-style: chr9-132902675-T-G. GRCh37 (hg19) VCF-style: chr9-135778062-T-G.
Other names: c.2318A>C, p.Lys773Thr (NM_001162426.2); c.2168A>C, p.Lys723Thr (NM_001162427.2); c.1958A>C, p.Lys653Thr (NM_001362177.2); short protein forms K653T, K723T, K773T, K774T.
Identifiers: ClinVar variation 1056424 (VCV001056424.9), dbSNP rs2131733177, ClinGen allele CA375359543.
Genomic context (GRCh38, chr9:132,902,675, plus strand): 5'-TGGCTCTGGTTGTAGAATTCCTCTCGGTCATGCTGCAGCTGTCTGATCTGGCTGTGGAGC[T>G]TGGTTACCATAGTGTCACGCTGCTCCTGGAGCTGATTGTATCTAGCTTGTTCTTTCTGCA-3'
Protein context (NP_000359.1, residues 764-784): LQEQRDTMVT[Lys774Thr]LHSQIRQLQH

ClinVar aggregate classification (germline): Uncertain significance (1 of 4 stars; one submission).

Conditions:
Tuberous sclerosis 1 (TSC1). Identifiers: Orphanet 805, MedGen C1854465, MONDO:0008612, OMIM 191100.

Submission:

Labcorp Genetics (formerly Invitae), Labcorp
Classification: Uncertain significance for Tuberous sclerosis 1. Last evaluated: 2020-06-24. Review status: criteria provided, single submitter. Criteria: Invitae Variant Classification Sherloc (09022015). Collection method: clinical testing. Allele origin: germline.
Comment: This variant has not been reported in the literature in individuals with TSC1-related conditions. Algorithms developed to predict the effect of missense changes on protein structure and function are either unavailable or do not agree on the potential impact of this missense change (SIFT: "Deleterious"; PolyPhen-2: "Benign"; Align-GVGD: "Class C0"). In summary, the available evidence is currently insufficient to determine the role of this variant in disease. Therefore, it has been classified as a Variant of Uncertain Significance. This variant is not present in population databases (ExAC no frequency). This sequence change replaces lysine with threonine at codon 774 of the TSC1 protein (p.Lys774Thr). The lysine residue is weakly conserved and there is a moderate physicochemical difference between lysine and threonine.